The following is an entry in ClinVar:

ClinVar aggregate classification (germline): Likely pathogenic. Review status: criteria provided, multiple submitters, no conflicts (2 of 4 stars). 3 submissions from 3 submitters: Likely pathogenic (2). 1 of the submissions does not count toward it. Last evaluated 2024-06-19.

Conditions:
Muscular dystrophy, limb-girdle, autosomal recessive 23. Identifiers: Orphanet 565837, MedGen C4748327, MONDO:0029136, OMIM 618138.
Merosin deficient congenital muscular dystrophy (MDC1A). Also called: Congenital merosin-deficient muscular dystrophy 1A; Congenital Muscular Dystrophy Type 1A (MDC1A). Identifiers: Orphanet 258, MedGen C1263858, MONDO:0011925, OMIM 607855.
LAMA2-related muscular dystrophy (LAMA2-RD). Also called: Laminin alpha 2-related dystrophy. Identifiers: MedGen C5679788, MONDO:0100228.

Allele frequency attached by ClinVar (database versions not stated): gnomAD exomes below 0.00001; ExAC 0.00001.
gnomAD v4.1: 3 of 1,611,930 alleles (0.00019%); highest among the groups gnomAD compares: Non-Finnish European, 0.00025%; no homozygotes.

Submissions (4):

Fulgent Genetics
Classification: Likely pathogenic for Merosin deficient congenital muscular dystrophy; Muscular dystrophy, limb-girdle, autosomal recessive 23. Last evaluated: 2024-06-19. Review status: criteria provided, single submitter. Criteria: ACMG Guidelines, 2015. Collection method: clinical testing. Allele origin: germline.

Labcorp Genetics (formerly Invitae), Labcorp
Classification: Likely pathogenic for LAMA2-related muscular dystrophy. Last evaluated: 2019-08-01. Review status: criteria provided, single submitter. Criteria: Invitae Variant Classification Sherloc (09022015). Collection method: clinical testing. Allele origin: germline.
Comment: This variant is present in population databases (rs757435241, ExAC 0.002%). This sequence change affects a donor splice site in intron 46 of the LAMA2 gene. It is expected to disrupt RNA splicing and likely results in an absent or disrupted protein product. This variant has not been reported in the literature in individuals with LAMA2-related conditions. ClinVar contains an entry for this variant (Variation ID: 12921789). Donor and acceptor splice site variants typically lead to a loss of protein function (PMID: 16199547), and loss-of-function variants in LAMA2 are known to be pathogenic (PMID: 18700894). In summary, the currently available evidence indicates that the variant is pathogenic, but additional data are needed to prove that conclusively. Therefore, this variant has been classified as Likely Pathogenic.

Counsyl
Classification: Likely pathogenic for Merosin deficient congenital muscular dystrophy. Last evaluated: 2017-05-15. Review status: no assertion criteria provided. Collection method: clinical testing. Allele origin: unknown. Not counted in ClinVar's aggregate classification.

Dr. Peter K. Rogan Lab, Western University
No classification provided (evidence only). Condition: Gastric cancer. Review status: no classification provided. Collection method: in vitro. Allele origin: not applicable. Functional consequence: retained intron. Not counted in ClinVar's aggregate classification.

Literature cited by the submitters: PubMed 16199547 (cited by Labcorp Genetics (formerly Invitae), Labcorp); PubMed 18700894 (cited by Labcorp Genetics (formerly Invitae), Labcorp).

NM_000426.4(LAMA2):c.6573+1G>A

Gene: LAMA2 (laminin subunit alpha 2; plus strand). Cytogenetic location: 6q22.33.
Variant type: single nucleotide variant.
Coding change: c.6573+1G>A on transcript NM_000426.4 (MANE Select); the canonical splice donor site of the intron after coding-DNA position 6573, G replaced by A.
Molecular consequence: splice donor variant.
Genome position (GRCh38, 1-based): chr6:129,453,132, G>A. VCF-style: chr6-129453132-G-A. GRCh37 (hg19) VCF-style: chr6-129774277-G-A.
Other names: c.6573+1G>A (NM_001079823.2).
Identifiers: ClinVar variation 551751 (VCV000551751.12), dbSNP rs757435241, ClinGen allele CA3994297.